The following is an entry in ClinVar:

ClinVar aggregate classification (germline): Likely benign (1 of 4 stars; one submission).

Submission:

GeneDx
Classification: Likely benign. Last evaluated: 2017-03-27. Review status: criteria provided, single submitter. Criteria: GeneDx Variant Classification (06012015). Collection method: clinical testing. Allele origin: germline. Affected: yes.
Comment: This variant is considered likely benign or benign based on one or more of the following criteria: it is a conservative change, it occurs at a poorly conserved position in the protein, it is predicted to be benign by multiple in silico algorithms, and/or has population frequency not consistent with disease.

NM_001278116.2(L1CAM):c.3323-11C>G

Gene: L1CAM (L1 cell adhesion molecule; minus strand). Cytogenetic location: Xq28.
Variant type: single nucleotide variant.
Coding change: c.3323-11C>G on transcript NM_001278116.2 (MANE Select); 11 bases into the intron before coding-DNA position 3323, C replaced by G.
Molecular consequence: intron variant.
Genome position (GRCh38, 1-based): chrX:153,864,028, G>C on the plus strand (C>G on the coding strand, the complement: L1CAM is on the minus strand). VCF-style: chrX-153864028-G-C. GRCh37 (hg19) VCF-style: chrX-153129483-G-C.
Other names: c.3308-11C>G (NM_001143963.2); c.3323-11C>G (NM_024003.3, NM_000425.5).
Identifiers: ClinVar variation 508327 (VCV000508327.1), dbSNP rs782110687, ClinGen allele CA10553974.